The following is an entry in ClinVar:

ClinVar aggregate classification (germline): Uncertain significance (1 of 4 stars; one submission).

Submission:

CeGaT Center for Human Genetics Tuebingen
Classification: Uncertain significance. Last evaluated: 2026-09-01. Review status: criteria provided, single submitter. Criteria: CeGaT Center For Human Genetics Tuebingen Variant Classification Criteria Version 2. Collection method: clinical testing. Allele origin: germline. Affected: yes. Observed: 1 variant allele.
Comment: KMT2A: PM2, PP2, PP3

NM_001197104.2(KMT2A):c.7978G>T (p.Gly2660Cys)

Gene: KMT2A (lysine methyltransferase 2A; plus strand). Cytogenetic location: 11q23.3.
Variant type: single nucleotide variant.
Coding change: c.7978G>T on transcript NM_001197104.2 (MANE Select); coding-DNA position 7978, G replaced by T.
Protein change: p.Gly2660Cys; replaces glycine 2660 with cysteine.
Molecular consequence: missense variant.
Genome position (GRCh38, 1-based): chr11:118,503,870, G>T. VCF-style: chr11-118503870-G-T. GRCh37 (hg19) VCF-style: chr11-118374585-G-T.
Other names: c.8068G>T, p.Gly2690Cys (NM_001412597.1); c.7969G>T, p.Gly2657Cys (NM_005933.4); short protein forms G2657C, G2660C, G2690C.
Identifiers: ClinVar variation 5041361 (VCV005041361.1).